The following is an entry in ClinVar:

ClinVar aggregate classification (germline): Benign (1 of 4 stars; one submission).

Conditions:
Glomuvenous malformation. Also called: GLOMANGIOMAS, MULTIPLE; GLOMUS TUMORS, MULTIPLE; VENOUS MALFORMATIONS WITH GLOMUS CELLS; Familial glomangioma. Identifiers: Orphanet 83454, MedGen C1841984, MONDO:0007672, OMIM 138000.

Allele frequency attached by ClinVar (database versions not stated): gnomAD exomes below 0.00001 and 0.00002; gnomAD 0.00001; TOPMed 0.00001; ExAC 0.00002; 1000 Genomes Project 30x 0.00016; 1000 Genomes Project 0.00020.
gnomAD v4.1: 5 of 1,611,908 alleles (0.00031%); highest among the groups gnomAD compares: East Asian, 0.0089%; no homozygotes.

Submission:

Illumina Laboratory Services, Illumina
Classification: Benign for Glomuvenous malformation. Last evaluated: 2018-01-13. Review status: criteria provided, single submitter. Criteria: ICSL Variant Classification Criteria 13 December 2019. Collection method: clinical testing. Allele origin: germline.
Comment: This variant was observed in the ICSL laboratory as part of a predisposition screen in an ostensibly healthy population. It had not been previously curated by ICSL or reported in the Human Gene Mutation Database (HGMD: prior to June 1st, 2018), and was therefore a candidate for classification through an automated scoring system. Utilizing variant allele frequency, disease prevalence and penetrance estimates, and inheritance mode, an automated score was calculated to assess if this variant is too frequent to cause the disease. Based on the score and internal cut-off values, a variant classified as benign is not then subjected to further curation. The score for this variant resulted in a classification of benign for this disease.

NM_053274.3(GLMN):c.581A>G (p.Asn194Ser)

Gene: GLMN (glomulin, FKBP associated protein; minus strand). Cytogenetic location: 1p22.1.
Variant type: single nucleotide variant.
Coding change: c.581A>G on transcript NM_053274.3 (MANE Select); coding-DNA position 581, A replaced by G.
Protein change: p.Asn194Ser; replaces asparagine 194 with serine.
Molecular consequence: missense variant. On other transcripts: non-coding transcript variant (1).
Genome position (GRCh38, 1-based): chr1:92,288,965, T>C on the plus strand (A>G on the coding strand, the complement: GLMN is on the minus strand). VCF-style: chr1-92288965-T-C. GRCh37 (hg19) VCF-style: chr1-92754522-T-C.
Other names: c.581A>G, p.Asn194Ser (NM_001319683.2); short protein forms N194S.
Identifiers: ClinVar variation 298141 (VCV000298141.5), dbSNP rs532530906, ClinGen allele CA950555.